The following is an entry in ClinVar:

NM_002361.4(MAG):c.61C>T (p.His21Tyr)

Gene: MAG (myelin associated glycoprotein; plus strand). Cytogenetic location: 19q13.12.
Variant type: single nucleotide variant.
Coding change: c.61C>T on transcript NM_002361.4 (MANE Select); coding-DNA position 61, C replaced by T.
Protein change: p.His21Tyr; replaces histidine 21 with tyrosine.
Molecular consequence: missense variant. On other transcripts: 5 prime UTR variant (1).
Genome position (GRCh38, 1-based): chr19:35,295,627, C>T. VCF-style: chr19-35295627-C-T. GRCh37 (hg19) VCF-style: chr19-35786530-C-T.
Other names: c.-15C>T (NM_001199216.2); c.61C>T, p.His21Tyr (NM_080600.3); short protein forms H21Y.
Identifiers: ClinVar variation 452162 (VCV000452162.10), dbSNP rs370825816, ClinGen allele CA9375923.
Genomic context (GRCh38, chr19:35,295,627, plus strand): 5'-CGGGTAGGACGTGTCCCTGAGCCTCAGCTCTCCTGCTTGCCCGCAGCCTCCCGAGGGGGT[C>T]ACTGGGGTGCCTGGATGCCCTCGTCCATCTCGGCCTTCGAAGGCACGTGCGTCTCCATCC-3'
Protein context (NP_002352.1, residues 11-31): WIMISASRGG[His21Tyr]WGAWMPSSIS

ClinVar aggregate classification (germline): Uncertain significance. Review status: criteria provided, multiple submitters, no conflicts (2 of 4 stars). 3 submissions from 3 submitters: Uncertain significance (3). Last evaluated 2025-11-11.

Conditions:
Inborn genetic diseases. Identifiers: MedGen C0950123, MeSH D030342.
Hereditary spastic paraplegia 75. Also called: Spastic paraplegia 75, autosomal recessive. Identifiers: Orphanet 459056, MedGen C4225250, MONDO:0014729, OMIM 616680.

Allele frequency attached by ClinVar (database versions not stated): TOPMed 0.00003; ExAC 0.00002; gnomAD 0.00001; ESP Exome Variant Server 0.00008; gnomAD exomes below 0.00001.

Submissions (3):

Ambry Genetics
Classification: Uncertain significance for Inborn genetic diseases. Last evaluated: 2025-11-11. Review status: criteria provided, single submitter. Criteria: Ambry Variant Classification Scheme 2023. Collection method: clinical testing. Allele origin: germline.

Labcorp Genetics (formerly Invitae), Labcorp
Classification: Uncertain significance for Hereditary spastic paraplegia 75. Last evaluated: 2017-12-23. Review status: criteria provided, single submitter. Criteria: Invitae Variant Classification Sherloc (09022015). Collection method: clinical testing. Allele origin: germline.
Comment: In summary, the available evidence is currently insufficient to determine the role of this variant in disease. Therefore, it has been classified as a Variant of Uncertain Significance. Algorithms developed to predict the effect of missense changes on protein structure and function do not agree on the potential impact of this missense change (SIFT: "Deleterious"; PolyPhen-2: "Benign"; Align-GVGD: "Class C0"). This variant has not been reported in the literature in individuals with MAG-related disease. This variant is present in population databases (rs370825816, ExAC 0.02%). This sequence change replaces histidine with tyrosine at codon 21 of the MAG protein (p.His21Tyr). The histidine residue is moderately conserved and there is a moderate physicochemical difference between histidine and tyrosine.

GeneDx
Classification: Uncertain significance. Last evaluated: 2017-09-18. Review status: criteria provided, single submitter. Criteria: GeneDx Variant Classification (06012015). Collection method: clinical testing. Allele origin: germline. Affected: yes.
Comment: The H21Y variant in the MAG gene has not been reported previously as a pathogenic variant, nor as a benign variant, to our knowledge. This variant is not observed at a significant frequency in large population cohorts (Lek et al., 2016; 1000 Genomes Consortium et al., 2015; Exome Variant Server). The H21Y variant is a non-conservative amino acid substitution, which is likely to impact secondary protein structure as these residues differ in polarity, charge, size and/or other properties. However, this substitution occurs at a position that is not conserved across species, and in silico analysis is inconsistent in its predictions as to whether or not the variant is damaging to the protein structure/function. We interpret H21Y as a variant of uncertain significance.